The following is an entry in ClinVar:

NM_003060.4(SLC22A5):c.677T>A (p.Val226Asp)

Gene: SLC22A5 (solute carrier family 22 member 5; plus strand). Cytogenetic location: 5q31.1.
Variant type: single nucleotide variant.
Coding change: c.677T>A on transcript NM_003060.4 (MANE Select); coding-DNA position 677, T replaced by A.
Protein change: p.Val226Asp; replaces valine 226 with aspartic acid.
Molecular consequence: missense variant.
Genome position (GRCh38, 1-based): chr5:132,385,352, T>A. VCF-style: chr5-132385352-T-A. GRCh37 (hg19) VCF-style: chr5-131721044-T-A.
Other names: c.749T>A, p.Val250Asp (NM_001308122.2); c.677T>A (NM_003060.3); short protein forms V226D, V250D.
Identifiers: ClinVar variation 1449734 (VCV001449734.6), dbSNP rs373199019, ClinGen allele CA3403946.

ClinVar aggregate classification (germline): Uncertain significance. Review status: criteria provided, multiple submitters, no conflicts (2 of 4 stars). 3 submissions from 3 submitters: Uncertain significance (3). Last evaluated 2023-05-15.

Conditions:
Renal carnitine transport defect (CDSP). Also called: Systemic primary carnitine deficiency disease; CARNITINE DEFICIENCY, SYSTEMIC, DUE TO DEFECT IN RENAL REABSORPTION OF CARNITINE; CARNITINE TRANSPORTER, PLASMA-MEMBRANE, DEFICIENCY OF; CARNITINE UPTAKE DEFECT; Carnitine transporter deficiency; Carnitine Deficiency, Systemic. Identifiers: Orphanet 158, MedGen C0342788, MONDO:0008919, OMIM 212140.

Allele frequency attached by ClinVar (database versions not stated): ExAC 0.00001; gnomAD 0.00001; gnomAD exomes 0.00001; ESP Exome Variant Server 0.00008.
gnomAD v4.1: 23 of 1,614,044 alleles (0.0014%); highest among the groups gnomAD compares: Non-Finnish European, 0.0019%; no homozygotes.

Submissions (3):

GeneDx
Classification: Uncertain significance. Last evaluated: 2023-05-15. Review status: criteria provided, single submitter. Criteria: GeneDx Variant Classification Process June 2021. Collection method: clinical testing. Allele origin: germline. Affected: yes.
Comment: Not observed at significant frequency in large population cohorts (gnomAD); In silico analysis supports that this missense variant has a deleterious effect on protein structure/function; Has not been previously published as pathogenic or benign to our knowledge

Labcorp Genetics (formerly Invitae), Labcorp
Classification: Uncertain significance for Renal carnitine transport defect. Last evaluated: 2022-04-26. Review status: criteria provided, single submitter. Criteria: Invitae Variant Classification Sherloc (09022015). Collection method: clinical testing. Allele origin: germline.
Comment: This sequence change replaces valine, which is neutral and non-polar, with aspartic acid, which is acidic and polar, at codon 226 of the SLC22A5 protein (p.Val226Asp). This variant is present in population databases (rs373199019, gnomAD 0.002%). This variant has not been reported in the literature in individuals affected with SLC22A5-related conditions. Advanced modeling of protein sequence and biophysical properties (such as structural, functional, and spatial information, amino acid conservation, physicochemical variation, residue mobility, and thermodynamic stability) performed at Invitae indicates that this missense variant is expected to disrupt SLC22A5 protein function. In summary, the available evidence is currently insufficient to determine the role of this variant in disease. Therefore, it has been classified as a Variant of Uncertain Significance.

Breakthrough Genomics
Classification: Uncertain significance. Review status: criteria provided, single submitter. Criteria: ACMG Guidelines, 2015. Collection method: not provided. Allele origin: germline. Inheritance: Autosomal recessive inheritance. Affected: yes.